The following is an entry in ClinVar:

NM_001083614.2(EARS2):c.474C>A (p.His158Gln)

Gene: EARS2 (glutamyl-tRNA synthetase 2, mitochondrial; minus strand). Cytogenetic location: 16p12.2.
Variant type: single nucleotide variant.
Coding change: c.474C>A on transcript NM_001083614.2 (MANE Select); coding-DNA position 474, C replaced by A.
Protein change: p.His158Gln; replaces histidine 158 with glutamine.
Molecular consequence: missense variant. On other transcripts: non-coding transcript variant (1).
Genome position (GRCh38, 1-based): chr16:23,544,525, G>T on the plus strand (C>A on the coding strand, the complement: EARS2 is on the minus strand). VCF-style: chr16-23544525-G-T. GRCh37 (hg19) VCF-style: chr16-23555846-G-T.
Other names: c.474C>A, p.His158Gln (NM_001308211.1, NM_133451.1); short protein forms H158Q.
Identifiers: ClinVar variation 1942589 (VCV001942589.4), dbSNP rs779315019, ClinGen allele CA7962589.
Genomic context (GRCh38, chr16:23,544,525, plus strand): 5'-AAACACACCCAATGTTGATGAGGCATCTGCAACAAGCTGAGGTTCTTACCGGGGCGTCTG[G>T]TGGTTCCGCAAGGCCTCCTTCTTCAGGAGCTCCAGCCGCTGGGGTGAGCAGAAACAGGGG-3'
Protein context (NP_001077083.1, residues 148-168): ELLKKEALRN[His158Gln]QTPRYDNRCR

ClinVar aggregate classification (germline): Uncertain significance (1 of 4 stars; one submission).

Allele frequency attached by ClinVar (database versions not stated): ExAC 0.00001.

Submission:

Labcorp Genetics (formerly Invitae), Labcorp
Classification: Uncertain significance. Last evaluated: 2022-04-23. Review status: criteria provided, single submitter. Criteria: Invitae Variant Classification Sherloc (09022015). Collection method: clinical testing. Allele origin: germline.
Comment: This sequence change replaces histidine, which is basic and polar, with glutamine, which is neutral and polar, at codon 158 of the EARS2 protein (p.His158Gln). This variant is present in population databases (rs779315019, gnomAD 0.007%). This variant has not been reported in the literature in individuals affected with EARS2-related conditions. Advanced modeling of protein sequence and biophysical properties (such as structural, functional, and spatial information, amino acid conservation, physicochemical variation, residue mobility, and thermodynamic stability) performed at Invitae indicates that this missense variant is not expected to disrupt EARS2 protein function. In summary, the available evidence is currently insufficient to determine the role of this variant in disease. Therefore, it has been classified as a Variant of Uncertain Significance.